The following is an entry in ClinVar:

ClinVar aggregate classification (germline): Uncertain significance. Review status: criteria provided, multiple submitters, no conflicts (2 of 4 stars). 2 submissions from 2 submitters: Uncertain significance (2). Last evaluated 2024-06-07.

Conditions:
Hereditary cancer-predisposing syndrome. Also called: Neoplastic Syndromes, Hereditary; Tumor predisposition; Hereditary Cancer Syndrome; Hereditary neoplastic syndrome. Identifiers: Orphanet 140162, MedGen C0027672, MeSH D009386, MONDO:0015356.
Hereditary breast ovarian cancer syndrome. Also called: Hereditary breast and ovarian cancer; BRCA1- and BRCA2-Associated Hereditary Breast and Ovarian Cancer; Hereditary breast and ovarian cancer syndrome; Hereditary breast and ovarian cancer syndrome (HBOC); Breast and ovarian cancer; Hereditary breast and/or ovarian cancer syndrome. Identifiers: Orphanet 145, MedGen C0677776, MeSH D061325, MONDO:0003582. Disease mechanism: loss of function.

Submissions (2):

Ambry Genetics
Classification: Uncertain significance for Hereditary cancer-predisposing syndrome. Last evaluated: 2024-06-07. Review status: criteria provided, single submitter. Criteria: Ambry Variant Classification Scheme 2023. Collection method: clinical testing. Allele origin: germline.
Comment: The p.D479G variant (also known as c.1436A>G), located in coding exon 9 of the BRCA2 gene, results from an A to G substitution at nucleotide position 1436. The aspartic acid at codon 479 is replaced by glycine, an amino acid with similar properties. This amino acid position is conserved. In addition, this alteration is predicted to be tolerated by in silico analysis. Based on the available evidence, the clinical significance of this variant remains unclear.

Labcorp Genetics (formerly Invitae), Labcorp
Classification: Uncertain significance for Hereditary breast ovarian cancer syndrome. Last evaluated: 2023-01-24. Review status: criteria provided, single submitter. Criteria: Invitae Variant Classification Sherloc (09022015). Collection method: clinical testing. Allele origin: germline.
Comment: This variant has not been reported in the literature in individuals affected with BRCA2-related conditions. In summary, the available evidence is currently insufficient to determine the role of this variant in disease. Therefore, it has been classified as a Variant of Uncertain Significance. Advanced modeling of protein sequence and biophysical properties (such as structural, functional, and spatial information, amino acid conservation, physicochemical variation, residue mobility, and thermodynamic stability) performed at Invitae indicates that this missense variant is not expected to disrupt BRCA2 protein function. This variant is not present in population databases (gnomAD no frequency). This sequence change replaces aspartic acid, which is acidic and polar, with glycine, which is neutral and non-polar, at codon 479 of the BRCA2 protein (p.Asp479Gly).

NM_000059.4(BRCA2):c.1436A>G (p.Asp479Gly)

Gene: BRCA2 (BRCA2 DNA repair associated; plus strand). Cytogenetic location: 13q13.1.
Variant type: single nucleotide variant.
Coding change: c.1436A>G on transcript NM_000059.4 (MANE Select); coding-DNA position 1436, A replaced by G.
Protein change: p.Asp479Gly; replaces aspartic acid 479 with glycine.
Molecular consequence: missense variant. On other transcripts: non-coding transcript variant (1), intron variant (1).
Genome position (GRCh38, 1-based): chr13:32,332,914, A>G. VCF-style: chr13-32332914-A-G. GRCh37 (hg19) VCF-style: chr13-32907051-A-G.
Other names: c.1436A>G, p.Asp479Gly (NM_001406719.1, NM_001406720.1, NM_001406721.1); c.424+1884A>G (NM_001406722.1); short protein forms D479G.
Identifiers: ClinVar variation 2831392 (VCV002831392.4), dbSNP rs1555281910, ClinGen allele CA387764287.